The following is an entry in ClinVar:

NM_024592.5(SRD5A3):c.188C>T (p.Pro63Leu)

Gene: SRD5A3 (steroid 5 alpha-reductase 3; plus strand). Cytogenetic location: 4q12.
Variant type: single nucleotide variant.
Coding change: c.188C>T on transcript NM_024592.5 (MANE Select); coding-DNA position 188, C replaced by T.
Protein change: p.Pro63Leu; replaces proline 63 with leucine.
Molecular consequence: missense variant.
Genome position (GRCh38, 1-based): chr4:55,346,524, C>T. VCF-style: chr4-55346524-C-T. GRCh37 (hg19) VCF-style: chr4-56212691-C-T.
Other names: c.188C>T, p.Pro63Leu (NM_001410732.1); short protein forms P63L.
Identifiers: ClinVar variation 3322594 (VCV003322594.3).
Genomic context (GRCh38, chr4:55,346,524, plus strand): 5'-GCGCGATCTTCCAGGACCTGATCCGCTATGGGAAAACCAAGTGTGGGGAGCCGTCGCGCC[C>T]CGCCGCCTGCCGAGCCTTTGATGTCCCCAAGAGGTAACCGCGCCCCGGTCCCGAGCCGCG-3'
Protein context (NP_078868.1, residues 53-73): GKTKCGEPSR[Pro63Leu]AACRAFDVPK

ClinVar aggregate classification (germline): Uncertain significance. Review status: criteria provided, multiple submitters, no conflicts (2 of 4 stars). 2 submissions from 2 submitters: Uncertain significance (2). Last evaluated 2024-06-18.

Conditions:
SRD5A3-congenital disorder of glycosylation. Also called: Congenital disorder of glycosylation type 1Q; SRD5A3-CDG; COLOBOMA, OCULAR, WITH ICHTHYOSIS, BRAIN MALFORMATIONS, AND ENDOCRINE ABNORMALITIES; CDG Iq; Ocular colobomas, ichthyosis, brain malformations and endocrine abnormalities. Identifiers: Orphanet 324737, MedGen C4317224, MONDO:0012885, OMIM 612379.
Inborn genetic diseases. Identifiers: MedGen C0950123, MeSH D030342.

gnomAD v4.1: 1 of 1,597,524 alleles (0.000063%); no homozygotes.

Submissions (2):

Ambry Genetics
Classification: Uncertain significance for Inborn genetic diseases. Last evaluated: 2024-06-18. Review status: criteria provided, single submitter. Criteria: Ambry Variant Classification Scheme 2023. Collection method: clinical testing. Allele origin: germline.

Labcorp Genetics (formerly Invitae), Labcorp
Classification: Uncertain significance for SRD5A3-congenital disorder of glycosylation. Last evaluated: 2024-03-16. Review status: criteria provided, single submitter. Criteria: Invitae Variant Classification Sherloc (09022015). Collection method: clinical testing. Allele origin: germline.
Comment: This sequence change replaces proline, which is neutral and non-polar, with leucine, which is neutral and non-polar, at codon 63 of the SRD5A3 protein (p.Pro63Leu). The frequency data for this variant in the population databases is considered unreliable, as metrics indicate poor data quality at this position in the gnomAD database. This variant has not been reported in the literature in individuals affected with SRD5A3-related conditions. An algorithm developed to predict the effect of missense changes on protein structure and function (PolyPhen-2) suggests that this variant is likely to be tolerated. In summary, the available evidence is currently insufficient to determine the role of this variant in disease. Therefore, it has been classified as a Variant of Uncertain Significance.